The following is an entry in ClinVar:

ClinVar aggregate classification (germline): Likely pathogenic (1 of 4 stars; one submission).

Conditions:
Hereditary angioedema types I and II.

Submission:

North West Genomic Laboratory Hub, Manchester University NHS Foundation Trust
Classification: Likely pathogenic for Hereditary angioedema types I and II. Last evaluated: 2025-11-20. Review status: criteria provided, single submitter. Criteria: ACGS Best Practice Guidelines for Variant Classification in Rare Disease 2024. Collection method: clinical testing. Allele origin: germline. Affected: yes.
Comment: PP4_Supp PP3_Supp PM2_Mod PS3_Supp PS4_Supp

NM_000062.3(SERPING1):c.1109T>G (p.Met370Arg)

Gene: SERPING1 (serpin family G member 1; plus strand). Cytogenetic location: 11q12.1.
Variant type: single nucleotide variant.
Coding change: c.1109T>G on transcript NM_000062.3 (MANE Select); coding-DNA position 1109, T replaced by G.
Protein change: p.Met370Arg; replaces methionine 370 with arginine.
Molecular consequence: missense variant.
Genome position (GRCh38, 1-based): chr11:57,611,796, T>G. VCF-style: chr11-57611796-T-G. GRCh37 (hg19) VCF-style: chr11-57379269-T-G.
Other names: c.1109T>G, p.Met370Arg (NM_001032295.2); short protein forms M370R.
Identifiers: ClinVar variation 4852403 (VCV004852403.1).